The following is an entry in ClinVar:

ClinVar aggregate classification (germline): Pathogenic (1 of 4 stars; one submission).

Submission:

Labcorp Genetics (formerly Invitae), Labcorp
Classification: Pathogenic. Last evaluated: 2024-04-24. Review status: criteria provided, single submitter. Criteria: Invitae Variant Classification Sherloc (09022015). Collection method: clinical testing. Allele origin: germline.
Comment: This sequence change creates a premature translational stop signal (p.Ser918Hisfs*23) in the POLE gene. It is expected to result in an absent or disrupted protein product. Loss-of-function variants in POLE are known to be pathogenic (PMID: 23230001, 25948378, 30503519). This variant is not present in population databases (gnomAD no frequency). This variant has not been reported in the literature in individuals affected with POLE-related conditions. For these reasons, this variant has been classified as Pathogenic.

Literature cited by the submitters: PubMed 23230001; PubMed 25948378; PubMed 30503519.

NM_006231.4(POLE):c.2751del (p.Ser918fs)

Gene: POLE (DNA polymerase epsilon, catalytic subunit; minus strand). Cytogenetic location: 12q24.33.
Variant type: Deletion.
Coding change: c.2751del on transcript NM_006231.4 (MANE Select); coding-DNA position 2751, one base deleted (C; older notation c.2751delC).
Protein change: p.Ser918fs; shifts the reading frame from serine 918.
Molecular consequence: frameshift variant.
Genome position (GRCh38, 1-based): chr12:132,661,640, G deleted on the plus strand (C on the coding strand, the reverse complement: POLE is on the minus strand); the first of 2 consecutive G bases (chr12:132,661,640-132,661,641); deleting either gives the same sequence. VCF-style (leftmost placement, unchanged base first): chr12-132661639-AG-A. GRCh37 (hg19) VCF-style: chr12-133238225-AG-A.
Other names: short protein forms S918fs.
Identifiers: ClinVar variation 3650746 (VCV003650746.2).